The following is an entry in ClinVar:

NM_206933.4(USH2A):c.14481C>T (p.Ala4827=)

Gene: USH2A (usherin; minus strand). Cytogenetic location: 1q41.
Variant type: single nucleotide variant.
Coding change: c.14481C>T on transcript NM_206933.4 (MANE Select); coding-DNA position 14481, C replaced by T.
Protein change: p.Ala4827=; no amino-acid change (alanine 4827 retained).
Molecular consequence: synonymous variant.
Genome position (GRCh38, 1-based): chr1:215,648,629, G>A on the plus strand (C>T on the coding strand, the complement: USH2A is on the minus strand). VCF-style: chr1-215648629-G-A. GRCh37 (hg19) VCF-style: chr1-215821971-G-A.
Other names: p.A4827A:GCC>GCT.
Identifiers: ClinVar variation 48438 (VCV000048438.24), dbSNP rs41304083, ClinGen allele CA143352.

ClinVar aggregate classification (germline): Benign. Review status: criteria provided, multiple submitters, no conflicts (2 of 4 stars). 11 submissions from 10 submitters: Benign (10). 1 of the submissions does not count toward it. Last evaluated 2026-04-02.

Conditions:
Retinal dystrophy. Also called: Inherited retinal dystrophy. Identifiers: Orphanet 71862, MedGen C0854723, MeSH D058499, MONDO:0019118, HP:0000556.
Retinitis pigmentosa 39 (RP39). Identifiers: Orphanet 791, MedGen C3151138, MONDO:0013436, OMIM 613809.
Usher syndrome type 2A. Also called: RETINAL DISEASE IN USHER SYNDROME TYPE IIA, MODIFIER OF; USHER SYNDROME, TYPE IIA. Identifiers: Orphanet 231178, Orphanet 886, MedGen C1848634, MONDO:0010169, OMIM 276901.

Allele frequency attached by ClinVar (database versions not stated): gnomAD 0.02357 and 0.02229; 1000 Genomes Project 30x 0.04388; gnomAD exomes 0.01678; ExAC 0.01880; 1000 Genomes Project 0.04213; TOPMed 0.02345; ESP Exome Variant Server 0.02360.

Submissions (11):

Women's Health and Genetics/Laboratory Corporation of America, LabCorp
Classification: Benign. Last evaluated: 2026-04-02. Review status: criteria provided, single submitter. Criteria: LabCorp Variant Classification Summary - May 2015. Collection method: clinical testing. Allele origin: germline.

Labcorp Genetics (formerly Invitae), Labcorp
Classification: Benign. Last evaluated: 2026-02-04. Review status: criteria provided, single submitter. Criteria: Invitae Variant Classification Sherloc (09022015). Collection method: clinical testing. Allele origin: germline.

Genome-Nilou Lab
Classification: Benign for Retinitis pigmentosa 39. Last evaluated: 2023-11-04. Review status: criteria provided, single submitter. Criteria: ACMG Guidelines, 2015. Collection method: clinical testing. Allele origin: germline. Affected: no.

Genome-Nilou Lab
Classification: Benign for Usher syndrome type 2A. Last evaluated: 2023-11-04. Review status: criteria provided, single submitter. Criteria: ACMG Guidelines, 2015. Collection method: clinical testing. Allele origin: germline. Affected: no.

Dept Of Ophthalmology, Nagoya University
Classification: Benign for Retinal dystrophy. Last evaluated: 2023-10-01. Review status: criteria provided, single submitter. Criteria: Submitter's publication. Collection method: research. Allele origin: germline. Affected: yes.

Athena Diagnostics
Classification: Benign. Last evaluated: 2018-05-24. Review status: criteria provided, single submitter. Criteria: Athena Diagnostics Criteria. Collection method: clinical testing. Allele origin: germline.

Eurofins Ntd Llc (ga)
Classification: Benign. Last evaluated: 2014-05-21. Review status: criteria provided, single submitter. Criteria: EGL Classification Definitions 2015. Collection method: clinical testing. Allele origin: germline. Observed: 1 variant allele, 1 heterozygote.

GeneDx
Classification: Benign. Last evaluated: 2011-07-05. Review status: criteria provided, single submitter. Criteria: GeneDx Variant Classification (06012015). Collection method: clinical testing. Allele origin: germline. Affected: yes.
Comment: This variant is considered likely benign or benign based on one or more of the following criteria: it is a conservative change, it occurs at a poorly conserved position in the protein, it is predicted to be benign by multiple in silico algorithms, and/or has population frequency not consistent with disease.

Laboratory for Molecular Medicine, Mass General Brigham Personalized Medicine
Classification: Benign. Last evaluated: 2010-07-26. Review status: criteria provided, single submitter. Criteria: LMM Criteria. Collection method: clinical testing. Allele origin: germline. Observed: 62 variant alleles.
Comment: Ala4827Ala in exon 66 of USH2A: This variant is not expected to have clinical si gnificance because it does not alter an amino acid residue and it is not located near a splice junction. In addition, this variant has been identified in 4/191 (2.1%) of individual?s tested by our laboratory with at least 3/4 of Black or Hi spanic background. Therefore, this variant is likley to be a common benign varia nt in these populations.

Breakthrough Genomics
Classification: Benign. Review status: criteria provided, single submitter. Criteria: ACMG Guidelines, 2015. Collection method: not provided. Allele origin: germline. Inheritance: Autosomal recessive inheritance. Affected: yes.

Natera, Inc.
Classification: Benign for Usher syndrome type 2A. Last evaluated: 2020-09-16. Review status: no assertion criteria provided. Collection method: clinical testing. Allele origin: germline. Not counted in ClinVar's aggregate classification.